The following is an entry in ClinVar:

NM_019594.4(LRRC8A):c.1262C>G (p.Thr421Ser)

Gene: LRRC8A (leucine rich repeat containing 8 VRAC subunit A; plus strand). Cytogenetic location: 9q34.11.
Variant type: single nucleotide variant.
Coding change: c.1262C>G on transcript NM_019594.4 (MANE Select); coding-DNA position 1262, C replaced by G.
Protein change: p.Thr421Ser; replaces threonine 421 with serine.
Molecular consequence: missense variant.
Genome position (GRCh38, 1-based): chr9:128,908,426, C>G. VCF-style: chr9-128908426-C-G. GRCh37 (hg19) VCF-style: chr9-131670705-C-G.
Other names: c.1262C>G, p.Thr421Ser (NM_001127244.2, NM_001127245.2); short protein forms T421S.
Identifiers: ClinVar variation 2785876 (VCV002785876.3), dbSNP rs2491875204, ClinGen allele CA375080255.
Genomic context (GRCh38, chr9:128,908,426, plus strand): 5'-AGCTGCGGCAGCTGAACCTCAACAACGAGTGGACGCTGGACAAGCTCCGGCAGCGGCTCA[C>G]CAAGAACGCGCAGGACAAGCTGGAGCTGCACCTGTTCATGCTCAGTGGCATCCCTGACAC-3'
Protein context (NP_062540.2, residues 411-431): WTLDKLRQRL[Thr421Ser]KNAQDKLELH

ClinVar aggregate classification (germline): Uncertain significance (1 of 4 stars; one submission).

gnomAD v4.1: 1 of 1,613,596 alleles (0.000062%); highest among the groups gnomAD compares: Non-Finnish European, 0.000085%; no homozygotes.

Submission:

Labcorp Genetics (formerly Invitae), Labcorp
Classification: Uncertain significance. Last evaluated: 2023-04-07. Review status: criteria provided, single submitter. Criteria: Invitae Variant Classification Sherloc (09022015). Collection method: clinical testing. Allele origin: germline.
Comment: This variant has not been reported in the literature in individuals affected with LRRC8A-related conditions. In summary, the available evidence is currently insufficient to determine the role of this variant in disease. Therefore, it has been classified as a Variant of Uncertain Significance. An algorithm developed to predict the effect of missense changes on protein structure and function (PolyPhen-2) suggests that this variant is likely to be disruptive. This variant is not present in population databases (gnomAD no frequency). This sequence change replaces threonine, which is neutral and polar, with serine, which is neutral and polar, at codon 421 of the LRRC8A protein (p.Thr421Ser).